The following is an entry in ClinVar:

NM_198578.4(LRRK2):c.5669T>C (p.Phe1890Ser)

Gene: LRRK2 (leucine rich repeat kinase 2; plus strand). Cytogenetic location: 12q12.
Variant type: single nucleotide variant.
Coding change: c.5669T>C on transcript NM_198578.4 (MANE Select); coding-DNA position 5669, T replaced by C.
Protein change: p.Phe1890Ser; replaces phenylalanine 1890 with serine.
Molecular consequence: missense variant.
Genome position (GRCh38, 1-based): chr12:40,328,372, T>C. VCF-style: chr12-40328372-T-C. GRCh37 (hg19) VCF-style: chr12-40722174-T-C.
Other names: short protein forms F1890S.
Identifiers: ClinVar variation 2453018 (VCV002453018.2), dbSNP rs2499907275, ClinGen allele CA384399340.
Genomic context (GRCh38, chr12:40,328,372, plus strand): 5'-TTCGCTTGGACAGCTTAATTTAAGTGCTTTGTATTTTCTTTTCAAAAGGTGATGGCAGTT[T>C]TGGATCAGTTTACCGAGCAGCCTATGAAGGAGAAGAAGTGGCTGTGAAGATTTTTAATAA-3'
Protein context (NP_940980.4, residues 1880-1900): APEFLLGDGS[Phe1890Ser]GSVYRAAYEG

ClinVar aggregate classification (germline): Uncertain significance (1 of 4 stars; one submission).

Conditions:
Inborn genetic diseases. Identifiers: MedGen C0950123, MeSH D030342.

Submission:

Ambry Genetics
Classification: Uncertain significance for Inborn genetic diseases. Last evaluated: 2022-11-17. Review status: criteria provided, single submitter. Criteria: Ambry Variant Classification Scheme 2023. Collection method: clinical testing. Allele origin: germline.
Comment: The p.F1890S variant (also known as c.5669T>C), located in coding exon 39 of the LRRK2 gene, results from a T to C substitution at nucleotide position 5669. The phenylalanine at codon 1890 is replaced by serine, an amino acid with highly dissimilar properties. This amino acid position is conserved. In addition, this alteration is predicted to be deleterious by in silico analysis. Since supporting evidence is limited at this time, the clinical significance of this alteration remains unclear.